The following is an entry in ClinVar:

ClinVar aggregate classification (germline): Likely benign. Review status: criteria provided, single submitter (1 of 4 stars). 2 submissions from 2 submitters: Likely benign (1). 1 of the submissions does not count toward it. Last evaluated 2022-11-10.

Conditions:
HS6ST1-related disorder. Also called: HS6ST1-related condition.

Allele frequency attached by ClinVar (database versions not stated): gnomAD 0.00001; ExAC 0.00003.

Submissions (2):

Labcorp Genetics (formerly Invitae), Labcorp
Classification: Likely benign. Last evaluated: 2022-11-10. Review status: criteria provided, single submitter. Criteria: Invitae Variant Classification Sherloc (09022015). Collection method: clinical testing. Allele origin: germline.

PreventionGenetics, part of Exact Sciences
Classification: Likely benign for HS6ST1-related condition. Last evaluated: 2020-04-01. Review status: no assertion criteria provided. Collection method: clinical testing. Allele origin: germline. Not counted in ClinVar's aggregate classification.
Comment: This variant is classified as likely benign based on ACMG/AMP sequence variant interpretation guidelines (Richards et al. 2015 PMID: 25741868, with internal and published modifications).

NM_004807.3(HS6ST1):c.234G>C (p.Ser78=)

Gene: HS6ST1 (heparan sulfate 6-O-sulfotransferase 1; minus strand). Cytogenetic location: 2q14.3.
Variant type: single nucleotide variant.
Coding change: c.234G>C on transcript NM_004807.3 (MANE Select); coding-DNA position 234, G replaced by C.
Protein change: p.Ser78=; no amino-acid change (serine 78 retained).
Molecular consequence: synonymous variant.
Genome position (GRCh38, 1-based): chr2:128,318,330, C>G on the plus strand (G>C on the coding strand, the complement: HS6ST1 is on the minus strand). VCF-style: chr2-128318330-C-G. GRCh37 (hg19) VCF-style: chr2-129075904-C-G.
Other names: c.234G>C (NM_004807.2).
Identifiers: ClinVar variation 1608082 (VCV001608082.10), dbSNP rs745353899, ClinGen allele CA1867652.